The following is an entry in ClinVar:

NM_000501.4(ELN):c.20C>T (p.Ala7Val)

Gene: ELN (elastin; plus strand). Cytogenetic location: 7q11.23.
Variant type: single nucleotide variant.
Coding change: c.20C>T on transcript NM_000501.4 (MANE Select); coding-DNA position 20, C replaced by T.
Protein change: p.Ala7Val; replaces alanine 7 with valine.
Molecular consequence: missense variant.
Genome position (GRCh38, 1-based): chr7:74,028,207, C>T. VCF-style: chr7-74028207-C-T. GRCh37 (hg19) VCF-style: chr7-73442537-C-T.
Other names: c.20C>T, p.Ala7Val (NM_001081752.3, NM_001081753.3, NM_001081754.3 and 9 more transcripts); short protein forms A7V.
Identifiers: ClinVar variation 1301436 (VCV001301436.9), dbSNP rs559210020, ClinGen allele CA4292212.

ClinVar aggregate classification (germline): Uncertain significance. Review status: criteria provided, multiple submitters, no conflicts (2 of 4 stars). 3 submissions from 3 submitters: Uncertain significance (3). Last evaluated 2025-09-07.

Conditions:
Inborn genetic diseases. Identifiers: MedGen C0950123, MeSH D030342.
Supravalvar aortic stenosis (SVAS). Also called: Supravalvar aortic stenosis, Eisenberg type. Identifiers: Orphanet 3193, MedGen C0003499, MONDO:0008504, OMIM 185500, HP:0004381.

Allele frequency attached by ClinVar (database versions not stated): gnomAD 0.00002 and 0.00003; gnomAD exomes 0.00003 and 0.00005; TOPMed 0.00003; ExAC 0.00007; 1000 Genomes Project 30x 0.00016; 1000 Genomes Project 0.00020.
gnomAD v4.1: 41 of 1,611,130 alleles (0.0025%); highest among the groups gnomAD compares: South Asian, 0.0044%; no homozygotes.

Submissions (3):

Labcorp Genetics (formerly Invitae), Labcorp
Classification: Uncertain significance for Supravalvar aortic stenosis. Last evaluated: 2025-09-07. Review status: criteria provided, single submitter. Criteria: Invitae Variant Classification Sherloc (09022015). Collection method: clinical testing. Allele origin: germline.
Comment: This sequence change replaces alanine, which is neutral and non-polar, with valine, which is neutral and non-polar, at codon 7 of the ELN protein (p.Ala7Val). This variant is present in population databases (rs559210020, gnomAD 0.008%). This variant has not been reported in the literature in individuals affected with ELN-related conditions. ClinVar contains an entry for this variant (Variation ID: 1301436). Invitae Evidence Modeling of protein sequence and biophysical properties (such as structural, functional, and spatial information, amino acid conservation, physicochemical variation, residue mobility, and thermodynamic stability) indicates that this missense variant is not expected to disrupt ELN protein function with a negative predictive value of 80%. In summary, the available evidence is currently insufficient to determine the role of this variant in disease. Therefore, it has been classified as a Variant of Uncertain Significance.

GeneDx
Classification: Uncertain significance. Last evaluated: 2024-07-17. Review status: criteria provided, single submitter. Criteria: GeneDx Variant Classification Process June 2021. Collection method: clinical testing. Allele origin: germline. Affected: yes.
Comment: Has not been previously published as pathogenic or benign to our knowledge; In silico analysis indicates that this missense variant does not alter protein structure/function

Ambry Genetics
Classification: Uncertain significance for Inborn genetic diseases. Last evaluated: 2023-07-11. Review status: criteria provided, single submitter. Criteria: Ambry Variant Classification Scheme 2023. Collection method: clinical testing. Allele origin: germline.